The following is an entry in ClinVar:

ClinVar aggregate classification (germline): Pathogenic. Review status: reviewed by expert panel (3 of 4 stars). 4 submissions from 4 submitters: Pathogenic (1). 3 of the submissions do not count toward it. Last evaluated 2024-02-19.

Conditions:
SERPINC1-related disorder. Also called: SERPINC1-related condition.
Hereditary antithrombin deficiency (AT3D). Also called: Reduced antithrombin III activity; Antithrombin III deficiency; Thrombophilia due to antithrombin III deficiency; Antithrombin deficiency. Identifiers: Orphanet 82, MedGen C0272375, MONDO:0013144, OMIM 613118, HP:0001976.

gnomAD v4.1: 4 of 1,613,926 alleles (0.00025%); highest among the groups gnomAD compares: East Asian, 0.0022%; no homozygotes.

Submissions (4):

Clingen Thrombosis Variant Curation Expert Panel, ClinGen
Classification: Pathogenic for Hereditary antithrombin deficiency. Last evaluated: 2024-02-19. Review status: reviewed by expert panel. Criteria: ClinGen ACMG Specifications SERPINC1 V1.0.0. Collection method: curation. Allele origin: germline. Inheritance: Autosomal dominant inheritance.
Comment: The c.1311C>G (NM_000488.3) variant in SERPINC1 is a missense variant predicted to cause substitution of asparagine by lysine at amino acid 437 (p.Asn437Lys). The computational predictor REVEL gives a score of 0.683, which is above the threshold of >0.6 and provides evidence that correlates with impact to SERPINC1 function, meeting criteria for PP3. The variant has been reported in at least 8 probands with AT deficiency in the literature (7.5 points applied PMID 28300866; PMID 24684277; PMID 12755798; PMID 1469094). The variant has been reported to segregate with autosomal dominant hereditary antithrombin deficiency in 7 affected family meioses from 4 families (PP1_strong; PMID: 1469094; PMID: 12755798; PMID: 28300866). In summary, this variant meets criteria to be classified as pathogenic. ACMG/AMP criteria applied, as specified by the Thrombosis Variant Curation Expert Panel for SERPINC1: PP1_Strong, PS4, PP3.

Mayo Clinic Laboratories, Mayo Clinic
Classification: Pathogenic. Last evaluated: 2025-08-05. Review status: criteria provided, single submitter. Criteria: ACMG Guidelines, 2015. Collection method: clinical testing. Allele origin: germline. Observed: 1 variant allele. Not counted in ClinVar's aggregate classification.
Comment: PP1_strong, PP3, PP5, PS4_very_strong

PreventionGenetics, part of Exact Sciences
Classification: Pathogenic for SERPINC1-related condition. Last evaluated: 2024-12-18. Review status: criteria provided, single submitter. Criteria: ACMG Guidelines, 2015. Collection method: clinical testing. Allele origin: germline. Not counted in ClinVar's aggregate classification.
Comment: The SERPINC1 c.1311C>G variant is predicted to result in the amino acid substitution p.Asn437Lys. This variant has been reported in multiple unrelated individuals with antithrombin deficiency (Lane et al 1992. PubMed ID: 1469094; Kumar et al 2014. PubMed ID: 24684277). This variant is reported in 0.0054% of alleles in individuals of East Asian descent in gnomAD. This variant is interpreted as pathogenic.

Labcorp Genetics (formerly Invitae), Labcorp
Classification: Pathogenic for Hereditary antithrombin deficiency. Last evaluated: 2023-11-13. Review status: criteria provided, single submitter. Criteria: Invitae Variant Classification Sherloc (09022015). Collection method: clinical testing. Allele origin: germline. Not counted in ClinVar's aggregate classification.
Comment: This sequence change replaces asparagine, which is neutral and polar, with lysine, which is basic and polar, at codon 437 of the SERPINC1 protein (p.Asn437Lys). This variant is present in population databases (no rsID available, gnomAD 0.006%). This missense change has been observed in individuals with antithrombin III deficiency (PMID: 1469094, 1796410, 12755798, 33725558). It has also been observed to segregate with disease in related individuals. This variant is also known as Asn405Lys. Advanced modeling of protein sequence and biophysical properties (such as structural, functional, and spatial information, amino acid conservation, physicochemical variation, residue mobility, and thermodynamic stability) has been performed at Invitae for this missense variant, however the output from this modeling did not meet the statistical confidence thresholds required to predict the impact of this variant on SERPINC1 protein function. For these reasons, this variant has been classified as Pathogenic.

Literature cited by the submitters: PubMed 12755798 (cited by Mayo Clinic Laboratories, Mayo Clinic and Labcorp Genetics (formerly Invitae), Labcorp); PubMed 1469094 (cited by Mayo Clinic Laboratories, Mayo Clinic and Labcorp Genetics (formerly Invitae), Labcorp); PubMed 21264449 (cited by Mayo Clinic Laboratories, Mayo Clinic); PubMed 24684277 (cited by Mayo Clinic Laboratories, Mayo Clinic); PubMed 28300866 (cited by Mayo Clinic Laboratories, Mayo Clinic); PubMed 33725558 (cited by Mayo Clinic Laboratories, Mayo Clinic and Labcorp Genetics (formerly Invitae), Labcorp); PubMed 1796410 (cited by Labcorp Genetics (formerly Invitae), Labcorp).

NM_000488.4(SERPINC1):c.1311C>G (p.Asn437Lys)

Gene: SERPINC1 (serpin family C member 1; minus strand). Cytogenetic location: 1q25.1.
Variant type: single nucleotide variant.
Coding change: c.1311C>G on transcript NM_000488.4 (MANE Select); coding-DNA position 1311, C replaced by G.
Protein change: p.Asn437Lys; replaces asparagine 437 with lysine.
Molecular consequence: missense variant.
Genome position (GRCh38, 1-based): chr1:173,903,973, G>C on the plus strand (C>G on the coding strand, the complement: SERPINC1 is on the minus strand). VCF-style: chr1-173903973-G-C. GRCh37 (hg19) VCF-style: chr1-173873111-G-C.
Other names: NM_001386306.1:c.1095C>G; p.Asn437Lys; c.1167C>G, p.Asn389Lys (NM_001365052.2); c.1434C>G, p.Asn478Lys (NM_001386302.1); c.1392C>G, p.Asn464Lys (NM_001386303.1); c.1290C>G, p.Asn430Lys (NM_001386304.1); c.1254C>G, p.Asn418Lys (NM_001386305.1); c.1095C>G, p.Asn365Lys (NM_001386306.1); short protein forms N418K, N430K, N389K, N464K, N365K, N437K, N478K.
Identifiers: ClinVar variation 2734037 (VCV002734037.6), dbSNP rs1301351856, ClinGen allele CA343772391.